The following is an entry in ClinVar:

NM_139125.4(MASP1):c.978C>G (p.Leu326=)

Gene: MASP1 (MBL associated serine protease 1; minus strand). Cytogenetic location: 3q27.3.
Variant type: single nucleotide variant.
Coding change: c.978C>G on transcript NM_139125.4 (MANE Select); coding-DNA position 978, C replaced by G.
Protein change: p.Leu326=; no amino-acid change (leucine 326 retained).
Molecular consequence: synonymous variant. On other transcripts: non-coding transcript variant (1).
Genome position (GRCh38, 1-based): chr3:187,251,667, G>C on the plus strand (C>G on the coding strand, the complement: MASP1 is on the minus strand). VCF-style: chr3-187251667-G-C. GRCh37 (hg19) VCF-style: chr3-186969455-G-C.
Other names: c.978C>G, p.Leu326= (NM_001031849.3, NM_001879.6).
Identifiers: ClinVar variation 3029944 (VCV003029944.2), dbSNP rs368131756, ClinGen allele CA2749457.

ClinVar aggregate classification (germline): Likely benign (0 of 4 stars; one submission).

Conditions:
MASP1-related disorder. Also called: MASP1-related condition.

Allele frequency attached by ClinVar (database versions not stated): ExAC 0.00001; TOPMed 0.00006; ESP Exome Variant Server 0.00008.
gnomAD v4.1: 17 of 1,614,152 alleles (0.0011%); highest among the groups gnomAD compares: African/African-American, 0.016%; no homozygotes.

Submission:

PreventionGenetics, part of Exact Sciences
Classification: Likely benign for MASP1-related condition. Last evaluated: 2023-10-18. Review status: no assertion criteria provided. Collection method: clinical testing. Allele origin: germline.
Comment: This variant is classified as likely benign based on ACMG/AMP sequence variant interpretation guidelines (Richards et al. 2015 PMID: 25741868, with internal and published modifications).